The following is an entry in ClinVar:

ClinVar aggregate classification (germline): Uncertain significance (1 of 4 stars; one submission).

Conditions:
Tyrosinemia type I (TYRSN1). Also called: Tyrosinemia type 1; Fumarylacetoacetase deficiency; Deficiency of fumarylacetoacetase; FAH DEFICIENCY; HEPATORENAL TYROSINEMIA. Identifiers: Orphanet 882, MedGen C0268490, MONDO:0010161, OMIM 276700. Disease mechanism: loss of function.

Submission:

Labcorp Genetics (formerly Invitae), Labcorp
Classification: Uncertain significance for Tyrosinemia type I. Last evaluated: 2023-08-17. Review status: criteria provided, single submitter. Criteria: Invitae Variant Classification Sherloc (09022015). Collection method: clinical testing. Allele origin: germline.
Comment: In summary, the available evidence is currently insufficient to determine the role of this variant in disease. Therefore, it has been classified as a Variant of Uncertain Significance. This sequence change replaces methionine, which is neutral and non-polar, with threonine, which is neutral and polar, at codon 326 of the FAH protein (p.Met326Thr). This variant is not present in population databases (gnomAD no frequency). This variant has not been reported in the literature in individuals affected with FAH-related conditions. ClinVar contains an entry for this variant (Variation ID: 1474349). Advanced modeling of protein sequence and biophysical properties (such as structural, functional, and spatial information, amino acid conservation, physicochemical variation, residue mobility, and thermodynamic stability) performed at Invitae indicates that this missense variant is not expected to disrupt FAH protein function.

NM_000137.4(FAH):c.977T>C (p.Met326Thr)

Gene: FAH (fumarylacetoacetate hydrolase; plus strand). Cytogenetic location: 15q25.1.
Variant type: single nucleotide variant.
Coding change: c.977T>C on transcript NM_000137.4 (MANE Select); coding-DNA position 977, T replaced by C.
Protein change: p.Met326Thr; replaces methionine 326 with threonine.
Molecular consequence: missense variant.
Genome position (GRCh38, 1-based): chr15:80,180,140, T>C. VCF-style: chr15-80180140-T-C. GRCh37 (hg19) VCF-style: chr15-80472482-T-C.
Other names: c.977T>C, p.Met326Thr (NM_001374377.1, NM_001374380.1); short protein forms M326T.
Identifiers: ClinVar variation 1474349 (VCV001474349.6), dbSNP rs2142107717, ClinGen allele CA393621680.